The following is an entry in ClinVar:

NM_001164277.2(SLC37A4):c.972T>C (p.Ser324=)

Gene: SLC37A4 (solute carrier family 37 member 4; minus strand). Cytogenetic location: 11q23.3.
Variant type: single nucleotide variant.
Coding change: c.972T>C on transcript NM_001164277.2 (MANE Select); coding-DNA position 972, T replaced by C.
Protein change: p.Ser324=; no amino-acid change (serine 324 retained).
Molecular consequence: synonymous variant.
Genome position (GRCh38, 1-based): chr11:119,025,979, A>G on the plus strand (T>C on the coding strand, the complement: SLC37A4 is on the minus strand). VCF-style: chr11-119025979-A-G. GRCh37 (hg19) VCF-style: chr11-118896689-A-G.
Other names: c.972T>C, p.Ser324= (NM_001164278.2, NM_001164280.2, NM_001467.6); c.753T>C, p.Ser251= (NM_001164279.2).
Identifiers: ClinVar variation 709506 (VCV000709506.15), dbSNP rs781824710, ClinGen allele CA6311679.

ClinVar aggregate classification (germline): Likely benign. Review status: criteria provided, multiple submitters, no conflicts (2 of 4 stars). 4 submissions from 4 submitters: Likely benign (3). 1 of the submissions does not count toward it. Last evaluated 2025-04-11.

Conditions:
Glucose-6-phosphate transport defect (GSD1B). Also called: Glycogen Storage Disease Type Ib; GSD Ib. Identifiers: Orphanet 364, Orphanet 79259, MedGen C0268146, MONDO:0009288, OMIM 232220.
Congenital disorder of glycosylation, type IIw. Identifiers: MedGen C5561986, MONDO:0030437, OMIM 619525.
Phosphate transport defect (GSD1C). Also called: GSD Ic; GLYCOGEN STORAGE DISEASE Ic. Identifiers: Orphanet 364, Orphanet 79259, MedGen C0342749, OMIM 232240.
SLC37A4-related disorder. Also called: SLC37A4-related condition.
Inborn genetic diseases. Identifiers: MedGen C0950123, MeSH D030342.

Allele frequency attached by ClinVar (database versions not stated): gnomAD exomes 0.00003 and 0.00010; ExAC 0.00005; gnomAD 0.00006 and 0.00007; TOPMed 0.00006.

Submissions (4):

Labcorp Genetics (formerly Invitae), Labcorp
Classification: Likely benign for Glucose-6-phosphate transport defect. Last evaluated: 2025-04-11. Review status: criteria provided, single submitter. Criteria: Invitae Variant Classification Sherloc (09022015). Collection method: clinical testing. Allele origin: germline.

Ambry Genetics
Classification: Likely benign for Inborn genetic diseases. Last evaluated: 2022-07-11. Review status: criteria provided, single submitter. Criteria: Ambry Variant Classification Scheme 2023. Collection method: clinical testing. Allele origin: germline.

Fulgent Genetics
Classification: Likely benign for Glucose-6-phosphate transport defect; Phosphate transport defect; Congenital disorder of glycosylation, type IIw. Last evaluated: 2022-01-20. Review status: criteria provided, single submitter. Criteria: ACMG Guidelines, 2015. Collection method: clinical testing. Allele origin: unknown.

PreventionGenetics, part of Exact Sciences
Classification: Likely benign for SLC37A4-related condition. Last evaluated: 2021-02-09. Review status: no assertion criteria provided. Collection method: clinical testing. Allele origin: germline. Not counted in ClinVar's aggregate classification.
Comment: This variant is classified as likely benign based on ACMG/AMP sequence variant interpretation guidelines (Richards et al. 2015 PMID: 25741868, with internal and published modifications).